The following is an entry in ClinVar:

ClinVar aggregate classification (germline): Uncertain significance (1 of 4 stars; one submission).

Allele frequency attached by ClinVar (database versions not stated): gnomAD exomes below 0.00001.
gnomAD v4.1: 5 of 1,614,182 alleles (0.00031%); highest among the groups gnomAD compares: Non-Finnish European, 0.00034%; no homozygotes.

Submission:

Labcorp Genetics (formerly Invitae), Labcorp
Classification: Uncertain significance. Last evaluated: 2025-04-16. Review status: criteria provided, single submitter. Criteria: Invitae Variant Classification Sherloc (09022015). Collection method: clinical testing. Allele origin: germline.
Comment: This sequence change replaces alanine, which is neutral and non-polar, with aspartic acid, which is acidic and polar, at codon 3211 of the HSPG2 protein (p.Ala3211Asp). The frequency data for this variant in the population databases is considered unreliable, as metrics indicate poor data quality at this position in the gnomAD database. This variant has not been reported in the literature in individuals affected with HSPG2-related conditions. ClinVar contains an entry for this variant (Variation ID: 1356235). An algorithm developed to predict the effect of missense changes on protein structure and function (PolyPhen-2) suggests that this variant is likely to be disruptive. In summary, the available evidence is currently insufficient to determine the role of this variant in disease. Therefore, it has been classified as a Variant of Uncertain Significance.

NM_005529.7(HSPG2):c.9632C>A (p.Ala3211Asp)

Gene: HSPG2 (heparan sulfate proteoglycan 2; minus strand). Cytogenetic location: 1p36.12.
Variant type: single nucleotide variant.
Coding change: c.9632C>A on transcript NM_005529.7 (MANE Select); coding-DNA position 9632, C replaced by A.
Protein change: p.Ala3211Asp; replaces alanine 3211 with aspartic acid.
Molecular consequence: missense variant.
Genome position (GRCh38, 1-based): chr1:21,839,899, G>T on the plus strand (C>A on the coding strand, the complement: HSPG2 is on the minus strand). VCF-style: chr1-21839899-G-T. GRCh37 (hg19) VCF-style: chr1-22166392-G-T.
Other names: c.9635C>A, p.Ala3212Asp (NM_001291860.2); short protein forms A3211D, A3212D.
Identifiers: ClinVar variation 1356235 (VCV001356235.8), dbSNP rs1014462154, ClinGen allele CA19106082.